The following is an entry in ClinVar:

ClinVar aggregate classification (germline): Likely benign. Review status: criteria provided, multiple submitters, no conflicts (2 of 4 stars). 2 submissions from 2 submitters: Likely benign (2). Last evaluated 2025-11-01.

Conditions:
MYO18B-related disorder. Also called: MYO18B-related condition.

Allele frequency attached by ClinVar (database versions not stated): gnomAD exomes 0.00005; TOPMed 0.00007; gnomAD 0.00008; ExAC 0.00010; 1000 Genomes Project 30x 0.00047; 1000 Genomes Project 0.00060.
gnomAD v4.1: 87 of 1,613,956 alleles (0.0054%); highest among the groups gnomAD compares: East Asian, 0.19%; no homozygotes.

Submissions (2):

PreventionGenetics, part of Exact Sciences
Classification: Likely benign for MYO18B-related condition. Last evaluated: 2025-11-01. Review status: criteria provided, single submitter. Criteria: ACMG Guidelines, 2015. Collection method: clinical testing. Allele origin: germline.
Comment: This variant is classified as likely benign based on ACMG/AMP sequence variant interpretation guidelines (Richards et al. 2015 PMID: 25741868, with internal and published modifications).

Labcorp Genetics (formerly Invitae), Labcorp
Classification: Likely benign. Last evaluated: 2024-08-14. Review status: criteria provided, single submitter. Criteria: Invitae Variant Classification Sherloc (09022015). Collection method: clinical testing. Allele origin: germline.

NM_032608.7(MYO18B):c.7227C>T (p.Arg2409=)

Gene: MYO18B (myosin XVIIIB; plus strand). Cytogenetic location: 22q12.1.
Variant type: single nucleotide variant.
Coding change: c.7227C>T on transcript NM_032608.7 (MANE Select); coding-DNA position 7227, C replaced by T.
Protein change: p.Arg2409=; no amino-acid change (arginine 2409 retained).
Molecular consequence: synonymous variant.
Genome position (GRCh38, 1-based): chr22:26,027,201, C>T. VCF-style: chr22-26027201-C-T. GRCh37 (hg19) VCF-style: chr22-26423167-C-T.
Other names: c.7230C>T, p.Arg2410= (NM_001318245.2); c.7227C>T (NM_032608.6).
Identifiers: ClinVar variation 2152549 (VCV002152549.5), dbSNP rs549606626, ClinGen allele CA10161731.
Genomic context (GRCh38, chr22:26,027,201, plus strand): 5'-CTCTGTGGACGATGCGGGCTGTCCAGACCTTGGAAAGGAGCCGCTTGTTTTCCAGAACCG[C>T]CAGTTTGCCCACCTGATGGAGGAACCTCTAGGCAGTGACCCATTCAGCTGGAAACTCCCA-3'
Protein context (NP_115997.5, residues 2399-2419): LGKEPLVFQN[Arg2409=]QFAHLMEEPL